The following is an entry in ClinVar:

NM_000550.3(TYRP1):c.899G>A (p.Gly300Glu)

Gene: TYRP1 (tyrosinase related protein 1; plus strand). Cytogenetic location: 9p23.
Variant type: single nucleotide variant.
Coding change: c.899G>A on transcript NM_000550.3 (MANE Select); coding-DNA position 899, G replaced by A.
Protein change: p.Gly300Glu; replaces glycine 300 with glutamic acid.
Molecular consequence: missense variant.
Genome position (GRCh38, 1-based): chr9:12,698,641, G>A. VCF-style: chr9-12698641-G-A. GRCh37 (hg19) VCF-style: chr9-12698641-G-A.
Other names: short protein forms G300E.
Identifiers: ClinVar variation 1938334 (VCV001938334.2), dbSNP rs187959351, ClinGen allele CA4985352.

ClinVar aggregate classification (germline): Uncertain significance (1 of 4 stars; one submission).

Allele frequency attached by ClinVar (database versions not stated): ExAC 0.00002; TOPMed 0.00003; gnomAD 0.00004; 1000 Genomes Project 0.00020; 1000 Genomes Project 30x 0.00031.

Submission:

Labcorp Genetics (formerly Invitae), Labcorp
Classification: Uncertain significance. Last evaluated: 2022-06-04. Review status: criteria provided, single submitter. Criteria: Invitae Variant Classification Sherloc (09022015). Collection method: clinical testing. Allele origin: germline.
Comment: This sequence change replaces glycine, which is neutral and non-polar, with glutamic acid, which is acidic and polar, at codon 300 of the TYRP1 protein (p.Gly300Glu). This variant is present in population databases (rs187959351, gnomAD 0.03%). This variant has not been reported in the literature in individuals affected with TYRP1-related conditions. Algorithms developed to predict the effect of missense changes on protein structure and function are either unavailable or do not agree on the potential impact of this missense change (SIFT: "Deleterious"; PolyPhen-2: "Probably Damaging"; Align-GVGD: "Class C0"). In summary, the available evidence is currently insufficient to determine the role of this variant in disease. Therefore, it has been classified as a Variant of Uncertain Significance.